The following is an entry in ClinVar:

ClinVar aggregate classification (germline): Uncertain significance (1 of 4 stars; one submission).

Conditions:
Inborn genetic diseases. Identifiers: MedGen C0950123, MeSH D030342.

gnomAD v4.1: 1 of 1,614,058 alleles (0.000062%); highest among the groups gnomAD compares: Admixed American, 0.0017%; no homozygotes.

Submission:

Ambry Genetics
Classification: Uncertain significance for Inborn genetic diseases. Last evaluated: 2025-10-24. Review status: criteria provided, single submitter. Criteria: Ambry Variant Classification Scheme 2023. Collection method: clinical testing. Allele origin: germline.
Comment: The c.4834C>A (p.H1612N) alteration is located in exon 36 (coding exon 36) of the KIF21A gene. This alteration results from a C to A substitution at nucleotide position 4834, causing the histidine (H) at amino acid position 1612 to be replaced by an asparagine (N). Based on data from gnomAD, the A allele has an overall frequency of <0.001% (1/251246) total alleles studied. The highest observed frequency was 0.003% (1/34584) of Latino alleles. Based on insufficient or conflicting evidence, the clinical significance of this alteration remains unclear.

NM_001173464.2(KIF21A):c.4873C>A (p.His1625Asn)

Gene: KIF21A (kinesin family member 21A; minus strand). Cytogenetic location: 12q12.
Variant type: single nucleotide variant.
Coding change: c.4873C>A on transcript NM_001173464.2 (MANE Select); coding-DNA position 4873, C replaced by A.
Protein change: p.His1625Asn; replaces histidine 1625 with asparagine.
Molecular consequence: missense variant.
Genome position (GRCh38, 1-based): chr12:39,301,538, G>T on the plus strand (C>A on the coding strand, the complement: KIF21A is on the minus strand). VCF-style: chr12-39301538-G-T. GRCh37 (hg19) VCF-style: chr12-39695340-G-T.
Other names: c.4762C>A, p.His1588Asn (NM_001173463.2); c.4714C>A, p.His1572Asn (NM_001173465.2); c.4876C>A, p.His1626Asn (NM_001378439.1); c.4861C>A, p.His1621Asn (NM_001378440.1); c.4837C>A, p.His1613Asn (NM_001378441.1); c.4834C>A, p.His1612Asn (NM_017641.4); short protein forms H1613N, H1626N, H1588N, H1621N, H1625N, H1572N, H1612N.
Identifiers: ClinVar variation 4622976 (VCV004622976.1).